The following is an entry in ClinVar:

NM_000055.4(BCHE):c.1027A>T (p.Thr343Ser)

Gene: BCHE (butyrylcholinesterase; minus strand). Cytogenetic location: 3q26.1.
Variant type: single nucleotide variant.
Coding change: c.1027A>T on transcript NM_000055.4 (MANE Select); coding-DNA position 1027, A replaced by T.
Protein change: p.Thr343Ser; replaces threonine 343 with serine.
Molecular consequence: missense variant. On other transcripts: non-coding transcript variant (1).
Genome position (GRCh38, 1-based): chr3:165,830,007, T>A on the plus strand (A>T on the coding strand, the complement: BCHE is on the minus strand). VCF-style: chr3-165830007-T-A. GRCh37 (hg19) VCF-style: chr3-165547795-T-A.
Other names: short protein forms T343S.
Identifiers: ClinVar variation 901555 (VCV000901555.4), dbSNP rs537434945, ClinGen allele CA2692388.

ClinVar aggregate classification (germline): Uncertain significance (1 of 4 stars; one submission).

Conditions:
Deficiency of butyrylcholinesterase (BCHED). Also called: Deficiency of butyrylcholine esterase; Acholinesterasemia; Butyrylcholinesterase deficiency; BCHE, silent 1. Identifiers: Orphanet 132, MedGen C1283400, MONDO:0015270, OMIM 617936.

Allele frequency attached by ClinVar (database versions not stated): gnomAD 0.00004; TOPMed 0.00008; ExAC 0.00014; 1000 Genomes Project 30x 0.00016; gnomAD exomes 0.00018; 1000 Genomes Project 0.00020.
gnomAD v4.1: 46 of 1,613,674 alleles (0.0029%); highest among the groups gnomAD compares: East Asian, 0.096%; no homozygotes.

Submission:

Illumina Laboratory Services, Illumina
Classification: Uncertain significance for Deficiency of butyrylcholinesterase. Last evaluated: 2017-04-27. Review status: criteria provided, single submitter. Criteria: ICSL Variant Classification Criteria 13 December 2019. Collection method: clinical testing. Allele origin: germline.
Comment: This variant was observed as part of a predisposition screen in an ostensibly healthy population. A literature search was performed for the gene, cDNA change, and amino acid change (where applicable). Publications were found based on this search. However, the evidence from the literature, in combination with allele frequency data from public databases where available, was not sufficient to rule this variant in or out of causing disease. Therefore, this variant is classified as a variant of unknown significance.

Literature cited by the submitters: PubMed 12417112.